The following is an entry in ClinVar:

ClinVar aggregate classification (germline): Uncertain significance. Review status: criteria provided, single submitter (1 of 4 stars). 2 submissions from 2 submitters: Uncertain significance (1). 1 of the submissions does not count toward it. Last evaluated 2021-09-01.

Conditions:
Leber congenital amaurosis 8 (LCA8). Identifiers: Orphanet 65, MedGen C3151202, MONDO:0013453, OMIM 613835.
Retinitis pigmentosa 12 (RP12). Also called: RP WITH OR WITHOUT PPRPE; RP WITH OR WITHOUT PRESERVED PARAARTERIOLE RETINAL PIGMENT EPITHELIUM; RETINITIS PIGMENTOSA WITH OR WITHOUT PARAARTERIOLAR PRESERVATION OF RETINAL PIGMENT EPITHELIUM. Identifiers: Orphanet 791, MedGen C1838647, MONDO:0010818, OMIM 600105.
Leber congenital amaurosis (LCA). Also called: Leber's amaurosis. Identifiers: Orphanet 65, MedGen C0339527, MeSH D057130, MONDO:0018998.

Allele frequency attached by ClinVar (database versions not stated): gnomAD exomes below 0.00001 and 0.00001; ExAC 0.00002; TOPMed 0.00002.
gnomAD v4.1: 1 of 1,613,920 alleles (0.000062%); highest among the groups gnomAD compares: East Asian, 0.0022%; no homozygotes.

Submissions (2):

Labcorp Genetics (formerly Invitae), Labcorp
Classification: Uncertain significance for Leber congenital amaurosis 8; Retinitis pigmentosa 12. Last evaluated: 2021-09-01. Review status: criteria provided, single submitter. Criteria: Invitae Variant Classification Sherloc (09022015). Collection method: clinical testing. Allele origin: germline.
Comment: This sequence change replaces isoleucine with threonine at codon 1348 of the CRB1 protein (p.Ile1348Thr). The isoleucine residue is moderately conserved and there is a moderate physicochemical difference between isoleucine and threonine. This variant is present in population databases (rs774187022, ExAC 0.02%). This variant has not been reported in the literature in individuals affected with CRB1-related conditions. Algorithms developed to predict the effect of missense changes on protein structure and function output the following: SIFT: "Deleterious"; PolyPhen-2: "Benign"; Align-GVGD: "Class C25". The threonine amino acid residue is found in multiple mammalian species, which suggests that this missense change does not adversely affect protein function. In summary, the available evidence is currently insufficient to determine the role of this variant in disease. Therefore, it has been classified as a Variant of Uncertain Significance.

Natera, Inc.
Classification: Uncertain significance for Leber congenital amaurosis. Last evaluated: 2020-03-24. Review status: no assertion criteria provided. Collection method: clinical testing. Allele origin: germline. Not counted in ClinVar's aggregate classification.

NM_201253.3(CRB1):c.4043T>C (p.Ile1348Thr)

Gene: CRB1 (crumbs cell polarity complex component 1; plus strand). Cytogenetic location: 1q31.3.
Variant type: single nucleotide variant.
Coding change: c.4043T>C on transcript NM_201253.3 (MANE Select); coding-DNA position 4043, T replaced by C.
Protein change: p.Ile1348Thr; replaces isoleucine 1348 with threonine.
Molecular consequence: missense variant. On other transcripts: non-coding transcript variant (2).
Genome position (GRCh38, 1-based): chr1:197,477,701, T>C. VCF-style: chr1-197477701-T-C. GRCh37 (hg19) VCF-style: chr1-197446831-T-C.
Other names: c.3707T>C, p.Ile1236Thr (NM_001193640.2); c.3971T>C, p.Ile1324Thr (NM_001257965.2); c.2435T>C, p.Ile812Thr (NM_001257966.2); short protein forms I1236T, I1324T, I1348T, I812T.
Identifiers: ClinVar variation 1052285 (VCV001052285.7), dbSNP rs774187022, ClinGen allele CA1312542.